The following is an entry in ClinVar:

NM_198253.3(TERT):c.2075C>A (p.Thr692Asn)

Gene: TERT (telomerase reverse transcriptase; minus strand). Cytogenetic location: 5p15.33.
Variant type: single nucleotide variant.
Coding change: c.2075C>A on transcript NM_198253.3 (MANE Select); coding-DNA position 2075, C replaced by A.
Protein change: p.Thr692Asn; replaces threonine 692 with asparagine.
Molecular consequence: missense variant. On other transcripts: non-coding transcript variant (2).
Genome position (GRCh38, 1-based): chr5:1,279,346, G>T on the plus strand (C>A on the coding strand, the complement: TERT is on the minus strand). VCF-style: chr5-1279346-G-T. GRCh37 (hg19) VCF-style: chr5-1279461-G-T.
Other names: c.2075C>A, p.Thr692Asn (NM_001193376.3); short protein forms T692N.
Identifiers: ClinVar variation 847494 (VCV000847494.10), dbSNP rs1060503005, ClinGen allele CA359080215.

ClinVar aggregate classification (germline): Uncertain significance (1 of 4 stars; one submission).

Conditions:
Dyskeratosis congenita, autosomal dominant 2. Identifiers: MedGen C3151443, MONDO:0013521, OMIM 613989.
Idiopathic Pulmonary Fibrosis. Also called: Idiopathic fibrosing alveolitis, chronic form; idiopathic fibrosing alveolitis. Identifiers: Orphanet 2032, MedGen C1800706, MeSH D054990, MONDO:0800504.

Allele frequency attached by ClinVar (database versions not stated): TOPMed below 0.00001; gnomAD exomes below 0.00001.
gnomAD v4.1: 1 of 1,583,414 alleles (0.000063%); highest among the groups gnomAD compares: East Asian, 0.0023%; no homozygotes.

Submission:

Labcorp Genetics (formerly Invitae), Labcorp
Classification: Uncertain significance for Dyskeratosis congenita, autosomal dominant 2; Idiopathic Pulmonary Fibrosis. Last evaluated: 2025-08-15. Review status: criteria provided, single submitter. Criteria: Invitae Variant Classification Sherloc (09022015). Collection method: clinical testing. Allele origin: germline.
Comment: This sequence change replaces threonine, which is neutral and polar, with asparagine, which is neutral and polar, at codon 692 of the TERT protein (p.Thr692Asn). This variant is not present in population databases (gnomAD no frequency). This variant has not been reported in the literature in individuals affected with TERT-related conditions. ClinVar contains an entry for this variant (Variation ID: 847494). Invitae Evidence Modeling of protein sequence and biophysical properties (such as structural, functional, and spatial information, amino acid conservation, physicochemical variation, residue mobility, and thermodynamic stability) indicates that this missense variant is not expected to disrupt TERT protein function with a negative predictive value of 95%. In summary, the available evidence is currently insufficient to determine the role of this variant in disease. Therefore, it has been classified as a Variant of Uncertain Significance.